The following is an entry in ClinVar:

NM_152383.5(DIS3L2):c.86del (p.Gly29fs)

Gene: DIS3L2 (DIS3 like 3'-5' exoribonuclease 2; plus strand). Cytogenetic location: 2q37.1.
Variant type: Deletion.
Coding change: c.86del on transcript NM_152383.5 (MANE Select); coding-DNA position 86, one base deleted (G; older notation c.86delG).
Protein change: p.Gly29fs; shifts the reading frame from glycine 29.
Molecular consequence: frameshift variant. On other transcripts: non-coding transcript variant (2).
Genome position (GRCh38, 1-based): chr2:232,015,547, G deleted; the last of 2 consecutive G bases (chr2:232,015,546-232,015,547); deleting either gives the same sequence. VCF-style (leftmost placement, unchanged base first): chr2-232015545-TG-T. GRCh37 (hg19) VCF-style: chr2-232880255-TG-T.
Other names: c.86del, p.Gly29fs (NM_001257281.2, NM_001257282.2); short protein forms G29fs.
Identifiers: ClinVar variation 1380518 (VCV001380518.6), dbSNP rs2106221588, ClinGen allele CA2573135531.

ClinVar aggregate classification (germline): Pathogenic (1 of 4 stars; one submission).

Conditions:
Perlman syndrome (PRLMNS). Identifiers: Orphanet 2849, MedGen C0796113, MONDO:0009965, OMIM 267000.

Submission:

Labcorp Genetics (formerly Invitae), Labcorp
Classification: Pathogenic for Perlman syndrome. Last evaluated: 2021-01-14. Review status: criteria provided, single submitter. Criteria: Invitae Variant Classification Sherloc (09022015). Collection method: clinical testing. Allele origin: germline.
Comment: For these reasons, this variant has been classified as Pathogenic. This variant has not been reported in the literature in individuals with DIS3L2-related conditions. This variant is not present in population databases (ExAC no frequency). This sequence change creates a premature translational stop signal (p.Gly29Valfs*35) in the DIS3L2 gene. It is expected to result in an absent or disrupted protein product. Loss-of-function variants in DIS3L2 are known to be pathogenic (PMID: 22306653, 28328139).

Literature cited by the submitters: PubMed 22306653; PubMed 28328139.